The following is an entry in ClinVar:

NM_000045.4(ARG1):c.124G>C (p.Glu42Gln)

Genes: ARG1 (arginase 1; plus strand), MED23 (mediator complex subunit 23; minus strand). Cytogenetic location: 6q23.2.
Variant type: single nucleotide variant.
Coding change: c.124G>C on transcript NM_000045.4 (MANE Select); coding-DNA position 124, G replaced by C.
Protein change: p.Glu42Gln; replaces glutamic acid 42 with glutamine.
Molecular consequence: missense variant. On other transcripts: intron variant (2).
Genome position (GRCh38, 1-based): chr6:131,576,729, G>C. VCF-style: chr6-131576729-G-C. GRCh37 (hg19) VCF-style: chr6-131897869-G-C.
Other names: c.124G>C, p.Glu42Gln (NM_001244438.2, NM_001369020.1); c.4078-2434C>G (NM_001270521.2); c.4096-2434C>G (NM_015979.4); short protein forms E42Q.
Identifiers: ClinVar variation 4707252 (VCV004707252.1).
Genomic context (GRCh38, chr6:131,576,729, plus strand): 5'-GGAGGGGTGGAAGAAGGCCCTACAGTATTGAGAAAGGCTGGTCTGCTTGAGAAACTTAAA[G>C]AACAAGGTAATTTTTAAGTTGAAAAATGATCAGCCTGATTTCCTCCCCACTCTGAAGGAA-3'
Protein context (NP_000036.2, residues 32-52): RKAGLLEKLK[Glu42Gln]QECDVKDYGD

ClinVar aggregate classification (germline): Uncertain significance (1 of 4 stars; one submission).

Conditions:
Arginase deficiency. Also called: ARGININEMIA; ARG1 DEFICIENCY; Arginase 1 Deficiency. Identifiers: Orphanet 90, MedGen C0268548, MONDO:0008814, OMIM 207800.

gnomAD v4.1: 1 of 1,613,430 alleles (0.000062%); highest among the groups gnomAD compares: Non-Finnish European, 0.000085%; no homozygotes.

Submission:

Labcorp Genetics (formerly Invitae), Labcorp
Classification: Uncertain significance for Arginase deficiency. Last evaluated: 2025-05-10. Review status: criteria provided, single submitter. Criteria: Invitae Variant Classification Sherloc (09022015). Collection method: clinical testing. Allele origin: germline.
Comment: This sequence change replaces glutamic acid, which is acidic and polar, with glutamine, which is neutral and polar, at codon 42 of the ARG1 protein (p.Glu42Gln). This variant is not present in population databases (gnomAD no frequency). This variant has not been reported in the literature in individuals affected with ARG1-related conditions. Invitae Evidence Modeling of protein sequence and biophysical properties (such as structural, functional, and spatial information, amino acid conservation, physicochemical variation, residue mobility, and thermodynamic stability) indicates that this missense variant is not expected to disrupt ARG1 protein function with a negative predictive value of 80%. In summary, the available evidence is currently insufficient to determine the role of this variant in disease. Therefore, it has been classified as a Variant of Uncertain Significance.